The following is an entry in ClinVar:

ClinVar aggregate classification (germline): Uncertain significance. Review status: criteria provided, multiple submitters, no conflicts (2 of 4 stars). 4 submissions from 4 submitters: Uncertain significance (4). Last evaluated 2025-07-27.

Conditions:
Cardiovascular phenotype. Identifiers: MedGen CN230736.
Hypertrophic cardiomyopathy. Also called: HYPERTROPHIC MYOCARDIOPATHY. Identifiers: Orphanet 217569, MedGen C0007194, MeSH D002312, MONDO:0005045, HP:0001639.

Allele frequency attached by ClinVar (database versions not stated): gnomAD exomes below 0.00001.

Submissions (4):

Labcorp Genetics (formerly Invitae), Labcorp
Classification: Uncertain significance for Hypertrophic cardiomyopathy. Last evaluated: 2025-07-27. Review status: criteria provided, single submitter. Criteria: Invitae Variant Classification Sherloc (09022015). Collection method: clinical testing. Allele origin: germline.
Comment: This sequence change replaces methionine, which is neutral and non-polar, with threonine, which is neutral and polar, at codon 1052 of the MYBPC3 protein (p.Met1052Thr). This variant is not present in population databases (gnomAD no frequency). This missense change has been observed in individual(s) with dilated cardiomyopathy (PMID: 27532257). ClinVar contains an entry for this variant (Variation ID: 2448099). An algorithm developed to predict the effect of missense changes on protein structure and function (PolyPhen-2) suggests that this variant is likely to be tolerated. In summary, the available evidence is currently insufficient to determine the role of this variant in disease. Therefore, it has been classified as a Variant of Uncertain Significance.

All of Us Research Program, National Institutes of Health
Classification: Uncertain significance for Hypertrophic cardiomyopathy. Last evaluated: 2023-02-24. Review status: criteria provided, single submitter. Criteria: ACMG Guidelines, 2015. Collection method: clinical testing. Allele origin: germline. Inheritance: Autosomal dominant inheritance. Observed: 1 variant allele, 1 heterozygote.
Comment: This missense variant replaces methionine with threonine at codon 1052 of the MYBPC3 protein. Computational prediction suggests that this variant may not impact protein structure and function (internally defined REVEL score threshold <= 0.5, PMID: 27666373). To our knowledge, functional studies have not been reported for this variant. This variant has not been reported in individuals affected with MYBPC3-related disorders in the literature. This variant has not been identified in the general population by the Genome Aggregation Database (gnomAD). The available evidence is insufficient to determine the role of this variant in disease conclusively. Therefore, this variant is classified as a Variant of Uncertain Significance.

This study involves interpretation of variants in research participants for the purpose of population health screening. Participant phenotype was not available at the time of variant classification. Additional details can be found in publication PMID: 35346344, PMCID: PMC8962531

Ambry Genetics
Classification: Uncertain significance for Cardiovascular phenotype. Last evaluated: 2022-12-23. Review status: criteria provided, single submitter. Criteria: Ambry Variant Classification Scheme 2023. Collection method: clinical testing. Allele origin: germline.
Comment: The p.M1052T variant (also known as c.3155T>C), located in coding exon 29 of the MYBPC3 gene, results from a T to C substitution at nucleotide position 3155. The methionine at codon 1052 is replaced by threonine, an amino acid with similar properties. This amino acid position is conserved. In addition, this alteration is predicted to be tolerated by in silico analysis. Since supporting evidence is limited at this time, the clinical significance of this alteration remains unclear.

Blueprint Genetics
Classification: Uncertain significance. Last evaluated: 2021-10-15. Review status: criteria provided, single submitter. Criteria: ACMG Guidelines, 2015. Collection method: clinical testing. Allele origin: germline.

Literature cited by the submitters: PubMed 27532257 (cited by Labcorp Genetics (formerly Invitae), Labcorp).

NM_000256.3(MYBPC3):c.3155T>C (p.Met1052Thr)

Gene: MYBPC3 (myosin binding protein C3; minus strand). Cytogenetic location: 11p11.2.
Variant type: single nucleotide variant.
Coding change: c.3155T>C on transcript NM_000256.3 (MANE Select); coding-DNA position 3155, T replaced by C.
Protein change: p.Met1052Thr; replaces methionine 1052 with threonine.
Molecular consequence: missense variant.
Genome position (GRCh38, 1-based): chr11:47,333,592, A>G on the plus strand (T>C on the coding strand, the complement: MYBPC3 is on the minus strand). VCF-style: chr11-47333592-A-G. GRCh37 (hg19) VCF-style: chr11-47355143-A-G.
Other names: short protein forms M1052T.
Identifiers: ClinVar variation 2448099 (VCV002448099.7), dbSNP rs2095879438, ClinGen allele CA380314795.